The following is an entry in ClinVar:

ClinVar aggregate classification (germline): Uncertain significance. Review status: criteria provided, multiple submitters, no conflicts (2 of 4 stars). 2 submissions from 2 submitters: Uncertain significance (2). Last evaluated 2024-08-05.

Conditions:
Congenital muscular dystrophy due to integrin alpha-7 deficiency. Also called: MYOPATHY, CONGENITAL, DUE TO INTEGRIN ALPHA-7 DEFICIENCY; Congenital muscular dystrophy with integrin alpha-7 deficiency; Muscular dystrophy, congenital, due to ITGA7 deficiency. Identifiers: Orphanet 34520, MedGen C2750786, MONDO:0013177, OMIM 613204.

Allele frequency attached by ClinVar (database versions not stated): gnomAD 0.00002; gnomAD exomes 0.00002; TOPMed 0.00002; ExAC 0.00003; ESP Exome Variant Server 0.00008.
gnomAD v4.1: 25 of 1,613,288 alleles (0.0015%); highest among the groups gnomAD compares: African/African-American, 0.0067%; no homozygotes.

Submissions (2):

Ambry Genetics
Classification: Uncertain significance. Last evaluated: 2024-08-05. Review status: criteria provided, single submitter. Criteria: Ambry Variant Classification Scheme 2023. Collection method: clinical testing. Allele origin: germline.

Labcorp Genetics (formerly Invitae), Labcorp
Classification: Uncertain significance for Congenital muscular dystrophy due to integrin alpha-7 deficiency. Last evaluated: 2022-08-31. Review status: criteria provided, single submitter. Criteria: Invitae Variant Classification Sherloc (09022015). Collection method: clinical testing. Allele origin: germline.
Comment: In summary, the available evidence is currently insufficient to determine the role of this variant in disease. Therefore, it has been classified as a Variant of Uncertain Significance. Algorithms developed to predict the effect of missense changes on protein structure and function are either unavailable or do not agree on the potential impact of this missense change (SIFT: "Deleterious"; PolyPhen-2: "Benign"; Align-GVGD: "Class C0"). ClinVar contains an entry for this variant (Variation ID: 863339). This variant has not been reported in the literature in individuals affected with ITGA7-related conditions. This variant is present in population databases (rs146183145, gnomAD 0.01%). This sequence change replaces proline, which is neutral and non-polar, with leucine, which is neutral and non-polar, at codon 1112 of the ITGA7 protein (p.Pro1112Leu).

NM_002206.3(ITGA7):c.3335C>T (p.Pro1112Leu)

Gene: ITGA7 (integrin subunit alpha 7; minus strand). Cytogenetic location: 12q13.2.
Variant type: single nucleotide variant.
Coding change: c.3335C>T on transcript NM_002206.3 (MANE Select); coding-DNA position 3335, C replaced by T.
Protein change: p.Pro1112Leu; replaces proline 1112 with leucine.
Molecular consequence: missense variant.
Genome position (GRCh38, 1-based): chr12:55,685,137, G>A on the plus strand (C>T on the coding strand, the complement: ITGA7 is on the minus strand). VCF-style: chr12-55685137-G-A. GRCh37 (hg19) VCF-style: chr12-56078921-G-A.
Other names: c.2996C>T, p.Pro999Leu (NM_001414035.1); c.3347C>T, p.Pro1116Leu (NM_001144996.2); c.3056C>T, p.Pro1019Leu (NM_001144997.2); c.3008C>T, p.Pro1003Leu (NM_001367993.1); c.1991C>T, p.Pro664Leu (NM_001367994.1); c.3317C>T, p.Pro1106Leu (NM_001374465.1); c.3467C>T, p.Pro1156Leu (NM_001410977.1); c.3329C>T, p.Pro1110Leu (NM_001414029.1); and 5 more; short protein forms P1112L, P1116L, P1003L, P1019L, P1106L, P664L, P1156L, P1072L.
Identifiers: ClinVar variation 863339 (VCV000863339.10), dbSNP rs146183145, ClinGen allele CA6615239.